The following is an entry in ClinVar:

ClinVar aggregate classification (germline): Benign/Likely benign. Review status: criteria provided, multiple submitters, no conflicts (2 of 4 stars). 4 submissions from 4 submitters: Benign (1); Likely benign (3). Last evaluated 2026-08-01.

Conditions:
MEGF8-related Carpenter syndrome. Also called: Carpenter syndrome 2. Identifiers: Orphanet 65759, MedGen C3554247, MONDO:0013998, OMIM 614976.

Allele frequency attached by ClinVar (database versions not stated): gnomAD exomes 0.00109; ExAC 0.00221; ESP Exome Variant Server 0.00323; 1000 Genomes Project 30x 0.00328; 1000 Genomes Project 0.00339; gnomAD 0.00372 and 0.00407; TOPMed 0.00393.
gnomAD v4.1: 1,250 of 1,580,124 alleles (0.079%); highest among the groups gnomAD compares: African/African-American, 1.2%; 10 homozygotes.

Submissions (4):

CeGaT Center for Human Genetics Tuebingen
Classification: Likely benign. Last evaluated: 2026-08-01. Review status: criteria provided, single submitter. Criteria: CeGaT Center For Human Genetics Tuebingen Variant Classification Criteria Version 2. Collection method: clinical testing. Allele origin: germline. Affected: yes. Observed: 2 variant alleles.
Comment: MEGF8: BP4, BP7, BS1

Labcorp Genetics (formerly Invitae), Labcorp
Classification: Benign for MEGF8-related Carpenter syndrome. Last evaluated: 2026-01-14. Review status: criteria provided, single submitter. Criteria: Invitae Variant Classification Sherloc (09022015). Collection method: clinical testing. Allele origin: germline.

GeneDx
Classification: Likely benign. Last evaluated: 2021-10-17. Review status: criteria provided, single submitter. Criteria: GeneDx Variant Classification Process June 2021. Collection method: clinical testing. Allele origin: germline. Affected: yes.
Comment: See Variant Classification Assertion Criteria.

Breakthrough Genomics
Classification: Likely benign. Review status: criteria provided, single submitter. Criteria: ACMG Guidelines, 2015. Collection method: not provided. Allele origin: germline. Inheritance: Autosomal recessive inheritance. Affected: yes.

NM_001271938.2(MEGF8):c.4440C>T (p.Cys1480=)

Gene: MEGF8 (multiple EGF like domains 8; plus strand). Cytogenetic location: 19q13.2.
Variant type: single nucleotide variant.
Coding change: c.4440C>T on transcript NM_001271938.2 (MANE Select); coding-DNA position 4440, C replaced by T.
Protein change: p.Cys1480=; no amino-acid change (cysteine 1480 retained).
Molecular consequence: synonymous variant.
Genome position (GRCh38, 1-based): chr19:42,356,130, C>T. VCF-style: chr19-42356130-C-T. GRCh37 (hg19) VCF-style: chr19-42860282-C-T.
Other names: c.4239C>T, p.Cys1413= (NM_001410.3).
Identifiers: ClinVar variation 702114 (VCV000702114.36), dbSNP rs138473998, ClinGen allele CA9475272.